The following is an entry in ClinVar:

NM_000171.4(GLRA1):c.631A>C (p.Thr211Pro)

Gene: GLRA1 (glycine receptor alpha 1; minus strand). Cytogenetic location: 5q33.1.
Variant type: single nucleotide variant.
Coding change: c.631A>C on transcript NM_000171.4 (MANE Select); coding-DNA position 631, A replaced by C.
Protein change: p.Thr211Pro; replaces threonine 211 with proline.
Molecular consequence: missense variant.
Genome position (GRCh38, 1-based): chr5:151,855,106, T>G on the plus strand (A>C on the coding strand, the complement: GLRA1 is on the minus strand). VCF-style: chr5-151855106-T-G. GRCh37 (hg19) VCF-style: chr5-151234667-T-G.
Other names: c.631A>C (NM_000171.3); c.631A>C, p.Thr211Pro (NM_001146040.2); c.382A>C, p.Thr128Pro (NM_001292000.2); short protein forms T211P, T128P.
Identifiers: ClinVar variation 1915632 (VCV001915632.5), dbSNP rs2479977884, ClinGen allele CA361839848.

ClinVar aggregate classification (germline): Uncertain significance. Review status: criteria provided, multiple submitters, no conflicts (2 of 4 stars). 2 submissions from 2 submitters: Uncertain significance (2). Last evaluated 2025-02-03.

Conditions:
Hereditary hyperekplexia. Identifiers: Orphanet 3197, MedGen C4084968, MONDO:0021022.

Allele frequency attached by ClinVar (database versions not stated): gnomAD exomes below 0.00001.
gnomAD v4.1: 2 of 1,613,360 alleles (0.00012%); highest among the groups gnomAD compares: Non-Finnish European, 0.00017%; no homozygotes.

Submissions (2):

Labcorp Genetics (formerly Invitae), Labcorp
Classification: Uncertain significance for Hereditary hyperekplexia. Last evaluated: 2025-02-03. Review status: criteria provided, single submitter. Criteria: Invitae Variant Classification Sherloc (09022015). Collection method: clinical testing. Allele origin: germline.
Comment: This sequence change replaces threonine, which is neutral and polar, with proline, which is neutral and non-polar, at codon 211 of the GLRA1 protein (p.Thr211Pro). This variant is not present in population databases (gnomAD no frequency). This variant has not been reported in the literature in individuals affected with GLRA1-related conditions. ClinVar contains an entry for this variant (Variation ID: 1915632). Invitae Evidence Modeling of protein sequence and biophysical properties (such as structural, functional, and spatial information, amino acid conservation, physicochemical variation, residue mobility, and thermodynamic stability) indicates that this missense variant is not expected to disrupt GLRA1 protein function with a negative predictive value of 80%. In summary, the available evidence is currently insufficient to determine the role of this variant in disease. Therefore, it has been classified as a Variant of Uncertain Significance.

GeneDx
Classification: Uncertain significance. Last evaluated: 2024-08-07. Review status: criteria provided, single submitter. Criteria: GeneDx Variant Classification Process June 2021. Collection method: clinical testing. Allele origin: germline. Affected: yes.
Comment: Not observed at significant frequency in large population cohorts (gnomAD); In silico analysis supports that this missense variant has a deleterious effect on protein structure/function; Has not been previously published as pathogenic or benign to our knowledge